The following is an entry in ClinVar:

ClinVar aggregate classification (germline): Uncertain significance (1 of 4 stars; one submission).

Submission:

GeneDx
Classification: Uncertain significance. Last evaluated: 2026-02-23. Review status: criteria provided, single submitter. Criteria: GeneDx Variant Classification Process June 2021. Collection method: clinical testing. Allele origin: germline.
Comment: Not observed at significant frequency in large population cohorts (gnomAD); In silico analysis suggests that this missense variant does not alter protein structure/function; Has not been previously published as pathogenic or benign to our knowledge

NM_001378452.1(ITPR1):c.3068C>T (p.Ser1023Phe)

Gene: ITPR1 (inositol 1,4,5-trisphosphate receptor type 1; plus strand). Cytogenetic location: 3p26.1.
Variant type: single nucleotide variant.
Coding change: c.3068C>T on transcript NM_001378452.1 (MANE Select); coding-DNA position 3068, C replaced by T.
Protein change: p.Ser1023Phe; replaces serine 1023 with phenylalanine.
Molecular consequence: missense variant.
Genome position (GRCh38, 1-based): chr3:4,680,653, C>T. VCF-style: chr3-4680653-C-T. GRCh37 (hg19) VCF-style: chr3-4722337-C-T.
Other names: c.3041C>T, p.Ser1014Phe (NM_001099952.4); c.3023C>T, p.Ser1008Phe (NM_001168272.2); c.2996C>T, p.Ser999Phe (NM_002222.7); short protein forms S1008F, S999F, S1014F, S1023F.
Identifiers: ClinVar variation 5009676 (VCV005009676.1).